The following is an entry in ClinVar:

ClinVar aggregate classification (germline): Uncertain significance (1 of 4 stars; one submission).

gnomAD v4.1: 4 of 1,614,056 alleles (0.00025%); highest among the groups gnomAD compares: Non-Finnish European, 0.00025%; no homozygotes.

Submission:

Labcorp Genetics (formerly Invitae), Labcorp
Classification: Uncertain significance. Last evaluated: 2022-10-17. Review status: criteria provided, single submitter. Criteria: Invitae Variant Classification Sherloc (09022015). Collection method: clinical testing. Allele origin: germline.
Comment: This sequence change replaces alanine, which is neutral and non-polar, with aspartic acid, which is acidic and polar, at codon 371 of the EPHA4 protein (p.Ala371Asp). This variant is present in population databases (rs201391619, gnomAD 0.0009%). This variant has not been reported in the literature in individuals affected with EPHA4-related conditions. Advanced modeling of protein sequence and biophysical properties (such as structural, functional, and spatial information, amino acid conservation, physicochemical variation, residue mobility, and thermodynamic stability) performed at Invitae indicates that this missense variant is not expected to disrupt EPHA4 protein function. In summary, the available evidence is currently insufficient to determine the role of this variant in disease. Therefore, it has been classified as a Variant of Uncertain Significance.

NM_004438.5(EPHA4):c.1112C>A (p.Ala371Asp)

Gene: EPHA4 (EPH receptor A4; minus strand). Cytogenetic location: 2q36.1.
Variant type: single nucleotide variant.
Coding change: c.1112C>A on transcript NM_004438.5 (MANE Select); coding-DNA position 1112, C replaced by A.
Protein change: p.Ala371Asp; replaces alanine 371 with aspartic acid.
Molecular consequence: missense variant.
Genome position (GRCh38, 1-based): chr2:221,482,558, G>T on the plus strand (C>A on the coding strand, the complement: EPHA4 is on the minus strand). VCF-style: chr2-221482558-G-T. GRCh37 (hg19) VCF-style: chr2-222347278-G-T.
Other names: c.1112C>A, p.Ala371Asp (NM_001304536.2, NM_001363748.2); c.959C>A, p.Ala320Asp (NM_001304537.2); short protein forms A320D, A371D.
Identifiers: ClinVar variation 1956183 (VCV001956183.5), dbSNP rs201391619, ClinGen allele CA65847919.
Genomic context (GRCh38, chr2:221,482,558, plus strand): 5'-TTCTGCTGTGGGGTGTAGTGGACCCCACTTCCACAGGGTCGGCACTTGCTGGGGTCACCA[G>T]CTCCACATTTCTTGCATACCACATTATAGGAAATGTCCTGGCGGCCACCTGTATTCTGAG-3'
Protein context (NP_004429.1, residues 361-381): SYNVVCKKCG[Ala371Asp]GDPSKCRPCG